The following is an entry in ClinVar:

ClinVar aggregate classification (germline): Likely pathogenic. Review status: reviewed by expert panel (3 of 4 stars). 2 submissions from 2 submitters: Likely pathogenic (1). 1 of the submissions does not count toward it. Last evaluated 2026-09-26.

Conditions:
Juvenile retinoschisis (RS1). Also called: X-Linked Juvenile Retinoschisis; X-linked retinoschisis. Identifiers: Orphanet 792, MedGen C3714753, MONDO:0010725, OMIM 312700.

Allele frequency attached by ClinVar (database versions not stated): gnomAD exomes below 0.00001 and 0.00001.

Submissions (2):

ClinGen X-linked Inherited Retinal Disease Variant Curation Expert Panel, ClinGen
Classification: Likely pathogenic for Juvenile retinoschisis. Last evaluated: 2026-09-26. Review status: reviewed by expert panel. Criteria: ClinGen X LinkedIRD ACMG Specifications RS1 V1.0.0. Collection method: curation. Allele origin: germline. Inheritance: X-linked inheritance.
Comment: NM_000330.4(RS1):c.194del (p.Tyr65PhefsTer?) is a frameshift variant caused by a one-nucleotide deletion, which introduces a premature stop codon in exon 4 of 6 and is predicted to trigger nonsense-mediated decay (PVS1). This variant is absent from hemizygous individuals in gnomAD v4.1.0 (PM2_Supporting). This variant has been reported in at least 1 proband meeting the PS4 requirement of a male diagnosed with XLRS (PMID: 10533068). PS4_Supporting requires at least 2 unrelated probands, so this criterion was not met. In summary, this variant is classified as likely pathogenic for X-linked retinoschisis based on the ClinGen X-linked Inherited Retinal Disease Expert Panel Specifications to the ACMG/AMP Variant Interpretation Guidelines for RS1 Version 1.0.0: PM2_Supporting and PVS1.

Retina International
No classification provided. Review status: no classification provided. Collection method: not provided. Allele origin: unknown. Not counted in ClinVar's aggregate classification.

NM_000330.4(RS1):c.194del (p.Tyr65fs)

Genes: CDKL5 (cyclin dependent kinase like 5; plus strand), RS1 (retinoschisin 1; minus strand). Cytogenetic location: Xp22.13.
Variant type: Deletion.
Coding change: c.194del on transcript NM_000330.4 (MANE Select); coding-DNA position 194, one base deleted (A; older notation c.194delA).
Protein change: p.Tyr65fs; shifts the reading frame from tyrosine 65.
Molecular consequence: frameshift variant. On other transcripts: intron variant (2).
Genome position (GRCh38, 1-based): chrX:18,647,323, T deleted on the plus strand (A on the coding strand, the reverse complement: RS1 is on the minus strand). VCF-style (leftmost placement, unchanged base first): chrX-18647322-AT-A. GRCh37 (hg19) VCF-style: chrX-18665442-AT-A.
Other names: NM_000330.4(RS1):c.194del; p.Tyr65fs; c.2797+1233del (NM_003159.3, NM_001037343.2); short protein forms Y65fs.
Identifiers: ClinVar variation 98912 (VCV000098912.4), dbSNP rs62645893, ClinGen allele CA226611.
Genomic context (GRCh38, chrX:18,647,322, plus strand): 5'-GTTAGAGCAGGTGATCTGGTCCGGTGTGACCTCCCCTGACTCGAAACCCAGAGGCTTGTG[AT>A]ATGGGCATTCTGGGAAAGGAAAAAGAATTCACATTCACACATATCTCAATACTCAACAAG-3'